The following is an entry in ClinVar:

NM_001040716.2(PC):c.679G>A (p.Ala227Thr)

Gene: PC (pyruvate carboxylase; minus strand). Cytogenetic location: 11q13.2.
Variant type: single nucleotide variant.
Coding change: c.679G>A on transcript NM_001040716.2 (MANE Select); coding-DNA position 679, G replaced by A.
Protein change: p.Ala227Thr; replaces alanine 227 with threonine.
Molecular consequence: missense variant.
Genome position (GRCh38, 1-based): chr11:66,870,847, C>T on the plus strand (G>A on the coding strand, the complement: PC is on the minus strand). VCF-style: chr11-66870847-C-T. GRCh37 (hg19) VCF-style: chr11-66638318-C-T.
Other names: c.679G>A, p.Ala227Thr (NM_000920.4, NM_022172.3); short protein forms A227T.
Identifiers: ClinVar variation 1473192 (VCV001473192.3), dbSNP rs773004288, ClinGen allele CA6132151.

ClinVar aggregate classification (germline): Uncertain significance (1 of 4 stars; one submission).

Conditions:
Pyruvate carboxylase deficiency. Also called: Pyruvate Carboxylase Deficiency Disease; ATAXIA WITH LACTIC ACIDOSIS II; PC DEFICIENCY; LEIGH NECROTIZING ENCEPHALOPATHY DUE TO PYRUVATE CARBOXYLASE DEFICIENCY; LEIGH SYNDROME DUE TO PYRUVATE CARBOXYLASE DEFICIENCY. Identifiers: Orphanet 3008, MedGen C0034341, MONDO:0009949, OMIM 266150.

Allele frequency attached by ClinVar (database versions not stated): gnomAD exomes below 0.00001; TOPMed below 0.00001; ExAC 0.00001; gnomAD 0.00001.
gnomAD v4.1: 17 of 1,613,568 alleles (0.0011%); highest among the groups gnomAD compares: Non-Finnish European, 0.0014%; no homozygotes.

Submission:

Labcorp Genetics (formerly Invitae), Labcorp
Classification: Uncertain significance for Pyruvate carboxylase deficiency. Last evaluated: 2022-08-09. Review status: criteria provided, single submitter. Criteria: Invitae Variant Classification Sherloc (09022015). Collection method: clinical testing. Allele origin: germline.
Comment: This sequence change replaces alanine, which is neutral and non-polar, with threonine, which is neutral and polar, at codon 227 of the PC protein (p.Ala227Thr). This variant is present in population databases (rs773004288, gnomAD 0.0009%). This variant has not been reported in the literature in individuals affected with PC-related conditions. ClinVar contains an entry for this variant (Variation ID: 1473192). Algorithms developed to predict the effect of missense changes on protein structure and function are either unavailable or do not agree on the potential impact of this missense change (SIFT: "Deleterious"; PolyPhen-2: "Probably Damaging"; Align-GVGD: "Class C0"). In summary, the available evidence is currently insufficient to determine the role of this variant in disease. Therefore, it has been classified as a Variant of Uncertain Significance.